The following is an entry in ClinVar:

NM_014946.4(SPAST):c.695_717dup (p.Thr240delinsPheGlnLysGluLysThrProTer)

Gene: SPAST (spastin; plus strand). Cytogenetic location: 2p22.3.
Variant type: Duplication.
Coding change: c.695_717dup on transcript NM_014946.4 (MANE Select); coding-DNA positions 695 to 717, 23 bases duplicated (TTCCAAAAAGAAAAGACCCCTTA).
Protein change: p.Thr240delinsPheGlnLysGluLysThrProTer.
Molecular consequence: nonsense.
Genome position (GRCh38, 1-based): chr2:32,114,650-32,114,672, TTCCAAAAAGAAAAGACCCCTTA duplicated. VCF-style (leftmost placement, unchanged base first): chr2-32114649-G-GTTCCAAAAAGAAAAGACCCCTTA. GRCh37 (hg19) VCF-style: chr2-32339718-G-GTTCCAAAAAGAAAAGACCCCTTA.
Other names: c.692_714dup, p.Thr239delinsPheGlnLysGluLysThrProTer (NM_001363823.2); c.596_618dup, p.Thr207delinsPheGlnLysGluLysThrProTer (NM_001363875.2); c.599_621dup, p.Thr208delinsPheGlnLysGluLysThrProTer (NM_001377959.1, NM_199436.2).
Identifiers: ClinVar variation 947916 (VCV000947916.8), dbSNP rs1678753568, ClinGen allele CA1139656860.

ClinVar aggregate classification (germline): Pathogenic. Review status: criteria provided, multiple submitters, no conflicts (2 of 4 stars). 2 submissions from 2 submitters: Pathogenic (2). Last evaluated 2021-10-19.

Conditions:
Hereditary spastic paraplegia 4. Also called: Spastic paraplegia 4, autosomal dominant; Spastic Paraplegia 4; Familial spastic paraplegia autosomal dominant 2. Identifiers: Orphanet 100985, MedGen C1866855, MONDO:0008438, OMIM 182601.

Submissions (2):

Athena Diagnostics
Classification: Pathogenic. Last evaluated: 2021-10-19. Review status: criteria provided, single submitter. Criteria: Athena Diagnostics Criteria. Collection method: clinical testing. Allele origin: unknown.
Comment: This variant is expected to result in the loss of a functional protein. This variant has not been reported in large, multi-ethnic general populations. This variant has been identified in at least one individual tested at Athena Diagnostics with clinical features associated with this gene.

Labcorp Genetics (formerly Invitae), Labcorp
Classification: Pathogenic for Hereditary spastic paraplegia 4. Last evaluated: 2019-08-02. Review status: criteria provided, single submitter. Criteria: Invitae Variant Classification Sherloc (09022015). Collection method: clinical testing. Allele origin: germline.
Comment: This variant has not been reported in the literature in individuals with SPAST-related conditions. This sequence change creates a premature translational stop signal (p.Thr240Phefs*8) in the SPAST gene. It is expected to result in an absent or disrupted protein product. This variant is not present in population databases (ExAC no frequency). Algorithms developed to predict the effect of sequence changes on RNA splicing suggest that this variant may create or strengthen a splice site, but this prediction has not been confirmed by published transcriptional studies. Loss-of-function variants in SPAST are known to be pathogenic (PMID: 20932283). For these reasons, this variant has been classified as Pathogenic.

Literature cited by the submitters: PubMed 20932283 (cited by Labcorp Genetics (formerly Invitae), Labcorp).